The following is an entry in ClinVar:

NM_001098511.3(KIF2A):c.1300C>T (p.Arg434Trp)

Gene: KIF2A (kinesin family member 2A; plus strand). Cytogenetic location: 5q12.1.
Variant type: single nucleotide variant.
Coding change: c.1300C>T on transcript NM_001098511.3 (MANE Select); coding-DNA position 1300, C replaced by T.
Protein change: p.Arg434Trp; replaces arginine 434 with tryptophan.
Molecular consequence: missense variant.
Genome position (GRCh38, 1-based): chr5:62,363,732, C>T. VCF-style: chr5-62363732-C-T. GRCh37 (hg19) VCF-style: chr5-61659559-C-T.
Other names: c.1300C>T (NM_001098511.2); c.1219C>T, p.Arg407Trp (NM_001243952.2); c.1243C>T, p.Arg415Trp (NM_001243953.2); c.1300C>T, p.Arg434Trp (NM_004520.5); short protein forms R407W, R415W, R434W.
Identifiers: ClinVar variation 4713346 (VCV004713346.2).
Genomic context (GRCh38, chr5:62,363,732, plus strand): 5'-AGATGTCCTTAATCACATTGTAGAACATCCGGTCAAACATCTGCAAATGCACATTCATCT[C>T]GGAGCCATGCAGTGTTTCAGATTATTCTTAGAAGGAAAGGAAAACTACATGGCAAATTTT-3'
Protein context (NP_001091981.1, residues 424-444): GQTSANAHSS[Arg434Trp]SHAVFQIILR

ClinVar aggregate classification (germline): Uncertain significance. Review status: criteria provided, multiple submitters, no conflicts (2 of 4 stars). 2 submissions from 2 submitters: Uncertain significance (2). Last evaluated 2026-06-24.

Conditions:
Inborn genetic diseases. Identifiers: MedGen C0950123, MeSH D030342.

Submissions (2):

Ambry Genetics
Classification: Uncertain significance for Inborn genetic diseases. Last evaluated: 2026-06-24. Review status: criteria provided, single submitter. Criteria: Ambry Variant Classification Scheme 2023. Collection method: clinical testing. Allele origin: germline.
Comment: The c.1300C>T (p.R434W) alteration is located in exon 14 (coding exon 14) of the KIF2A gene. This alteration results from a C to T substitution at nucleotide position 1300, causing the arginine (R) at amino acid position 434 to be replaced by a tryptophan (W). This variant was not reported in population-based cohorts in the Genome Aggregation Database (gnomAD). This amino acid position is highly conserved in available vertebrate species. This missense variant is located in a region that has a low rate of benign missense variation (Lek, 2016; Firth, 2009). This alteration is predicted to be deleterious by in silico analysis. Based on insufficient or conflicting evidence, the clinical significance of this alteration remains unclear.

Labcorp Genetics (formerly Invitae), Labcorp
Classification: Uncertain significance. Last evaluated: 2025-02-18. Review status: criteria provided, single submitter. Criteria: Invitae Variant Classification Sherloc (09022015). Collection method: clinical testing. Allele origin: germline.
Comment: This sequence change replaces arginine, which is basic and polar, with tryptophan, which is neutral and slightly polar, at codon 434 of the KIF2A protein (p.Arg434Trp). This variant is not present in population databases (gnomAD no frequency). This variant has not been reported in the literature in individuals affected with KIF2A-related conditions. An algorithm developed to predict the effect of missense changes on protein structure and function (PolyPhen-2) suggests that this variant is likely to be tolerated. In summary, the available evidence is currently insufficient to determine the role of this variant in disease. Therefore, it has been classified as a Variant of Uncertain Significance.